The following is an entry in ClinVar:

NM_004385.5(VCAN):c.5711G>A (p.Arg1904Lys)

Genes: VCAN-AS1 (VCAN antisense RNA 1; minus strand), VCAN (versican; plus strand). Cytogenetic location: 5q14.3.
Variant type: single nucleotide variant.
Coding change: c.5711G>A on transcript NM_004385.5 (MANE Select); coding-DNA position 5711, G replaced by A.
Protein change: p.Arg1904Lys; replaces arginine 1904 with lysine.
Molecular consequence: missense variant. On other transcripts: intron variant (2).
Genome position (GRCh38, 1-based): chr5:83,538,714, G>A. VCF-style: chr5-83538714-G-A. GRCh37 (hg19) VCF-style: chr5-82834533-G-A.
Other names: c.2750G>A, p.Arg917Lys (NM_001164097.2); c.4004-6823G>A (NM_001164098.2); c.1043-6823G>A (NM_001126336.3); short protein forms R917K, R1904K.
Identifiers: ClinVar variation 1386190 (VCV001386190.6), dbSNP rs1746831848, ClinGen allele CA360310983.

ClinVar aggregate classification (germline): Uncertain significance (1 of 4 stars; one submission).

Allele frequency attached by ClinVar (database versions not stated): gnomAD 0.00001.
gnomAD v4.1: 1 of 1,613,890 alleles (0.000062%); no homozygotes.

Submission:

Labcorp Genetics (formerly Invitae), Labcorp
Classification: Uncertain significance. Last evaluated: 2021-10-11. Review status: criteria provided, single submitter. Criteria: Invitae Variant Classification Sherloc (09022015). Collection method: clinical testing. Allele origin: germline.
Comment: In summary, the available evidence is currently insufficient to determine the role of this variant in disease. Therefore, it has been classified as a Variant of Uncertain Significance. Algorithms developed to predict the effect of missense changes on protein structure and function output the following: SIFT: "Tolerated"; PolyPhen-2: "Benign"; Align-GVGD: "Class C0". The lysine amino acid residue is found in multiple mammalian species, which suggests that this missense change does not adversely affect protein function. This variant has not been reported in the literature in individuals affected with VCAN-related conditions. This variant is not present in population databases (ExAC no frequency). This sequence change replaces arginine with lysine at codon 1904 of the VCAN protein (p.Arg1904Lys). The arginine residue is weakly conserved and there is a small physicochemical difference between arginine and lysine.